The following is an entry in ClinVar:

ClinVar aggregate classification (germline): Conflicting classifications of pathogenicity. Review status: criteria provided, conflicting classifications (1 of 4 stars). 5 submissions from 5 submitters: Uncertain significance (1); Benign (1); Likely benign (2). 1 of the submissions does not count toward it. Last evaluated 2026-08-04.

Conditions:
ENG-related disorder. Also called: ENG-related disorders; ENG-related condition.
Telangiectasia, hereditary hemorrhagic, type 1 (HHT1). Also called: ENG-Related Hereditary Hemorrhagic Telangiectasia; Osler Weber Rendu syndrome type 1. Identifiers: Orphanet 774, MedGen C4551861, MONDO:0008535, OMIM 187300. Disease mechanism: loss of function.
Hereditary hemorrhagic telangiectasia (HHT). Also called: ORW DISEASE; Osler Weber Rendu syndrome; OSLER-RENDU-WEBER DISEASE; Osler hemorrhagic telangiectasia syndrome. Identifiers: Orphanet 774, MedGen C0039445, MONDO:0019180. Disease mechanism: loss of function.
Cardiovascular phenotype. Identifiers: MedGen CN230736.

Allele frequency attached by ClinVar (database versions not stated): ExAC 0.00002; gnomAD 0.00003 and 0.00004; gnomAD exomes 0.00003; TOPMed 0.00003.

Submissions (5):

Ambry Genetics
Classification: Benign for Cardiovascular phenotype. Last evaluated: 2026-08-04. Review status: criteria provided, single submitter. Criteria: Ambry Variant Classification Scheme 2023. Collection method: clinical testing. Allele origin: germline.

Labcorp Genetics (formerly Invitae), Labcorp
Classification: Uncertain significance for Hereditary hemorrhagic telangiectasia. Last evaluated: 2025-04-13. Review status: criteria provided, single submitter. Criteria: Invitae Variant Classification Sherloc (09022015). Collection method: clinical testing. Allele origin: germline.
Comment: This sequence change replaces proline, which is neutral and non-polar, with leucine, which is neutral and non-polar, at codon 340 of the ENG protein (p.Pro340Leu). This variant is present in population databases (rs772135786, gnomAD 0.006%). This missense change has been observed in individual(s) with hereditary hemorrhagic telangiectasia, however in one of these individuals a pathogenic variant was also identified in the ACVRL1 gene (PMID: 21158752). ClinVar contains an entry for this variant (Variation ID: 618084). An algorithm developed to predict the effect of missense changes on protein structure and function outputs the following: PolyPhen-2: "Benign". The leucine amino acid residue is found in multiple mammalian species, which suggests that this missense change does not adversely affect protein function. Experimental studies have shown that this missense change does not substantially affect ENG function (PMID: 25312062). In summary, the available evidence is currently insufficient to determine the role of this variant in disease. Therefore, it has been classified as a Variant of Uncertain Significance.

NIHR Bioresource Rare Diseases, University of Cambridge
Classification: Likely benign for Telangiectasia, hereditary hemorrhagic, type 1. Last evaluated: 2018-01-01. Review status: criteria provided, single submitter. Criteria: ACMG Guidelines, 2015. Collection method: research. Allele origin: unknown. Affected: yes. Observed: 6 variant alleles.
Comment: BS1 +BP2

ARUP Laboratories, Molecular Genetics and Genomics, ARUP Laboratories
Classification: Likely benign. Last evaluated: 2017-07-09. Review status: criteria provided, single submitter. Criteria: ARUP Molecular Germline Variant Investigation Process. Collection method: clinical testing. Allele origin: germline.
Comment: The ENG c.1019C>T; p.Pro340Leu variant (rs772135786) is reported in the general population databases with an overall allele frequency of 0.003 percent (9/277054 alleles, Genome Aggregation Database). The proline at codon 340 is well conserved, but computational algorithms do not agree as to the affect this variant may have on the protein (SIFT: Damaging, PolyPhen2: Possibly Damaging, MutationTaster: Polymorphism). Our laboratory has identified this variant in individuals who also carry a pathogenic ENG variant. Based on the above information, this variant is considered likely benign.

PreventionGenetics, part of Exact Sciences
Classification: Likely benign for ENG-related condition. Last evaluated: 2023-05-05. Review status: no assertion criteria provided. Collection method: clinical testing. Allele origin: germline. Not counted in ClinVar's aggregate classification.
Comment: This variant is classified as likely benign based on ACMG/AMP sequence variant interpretation guidelines (Richards et al. 2015 PMID: 25741868, with internal and published modifications).

Literature cited by the submitters: PubMed 25312062 (cited by Ambry Genetics and Labcorp Genetics (formerly Invitae), Labcorp); PubMed 21158752 (cited by Labcorp Genetics (formerly Invitae), Labcorp); PubMed 32573726 (cited by NIHR Bioresource Rare Diseases, University of Cambridge).

NM_001114753.3(ENG):c.1019C>T (p.Pro340Leu)

Gene: ENG (endoglin; minus strand). Cytogenetic location: 9q34.11.
Variant type: single nucleotide variant.
Coding change: c.1019C>T on transcript NM_001114753.3 (MANE Select); coding-DNA position 1019, C replaced by T.
Protein change: p.Pro340Leu; replaces proline 340 with leucine.
Molecular consequence: missense variant.
Genome position (GRCh38, 1-based): chr9:127,824,419, G>A on the plus strand (C>T on the coding strand, the complement: ENG is on the minus strand). VCF-style: chr9-127824419-G-A. GRCh37 (hg19) VCF-style: chr9-130586698-G-A.
Other names: c.1019C>T, p.Pro340Leu (NM_000118.4, NM_001406715.1); c.473C>T, p.Pro158Leu (NM_001278138.2); c.1019C>T (NM_001114753.1); short protein forms P340L, P158L.
Identifiers: ClinVar variation 618084 (VCV000618084.16), dbSNP rs772135786, ClinGen allele CA5252897.